The following is an entry in ClinVar:

NM_172107.4(KCNQ2):c.1534C>T (p.Leu512Phe)

Gene: KCNQ2 (potassium voltage-gated channel subfamily Q member 2; minus strand). Cytogenetic location: 20q13.33.
Variant type: single nucleotide variant.
Coding change: c.1534C>T on transcript NM_172107.4 (MANE Select); coding-DNA position 1534, C replaced by T.
Protein change: p.Leu512Phe; replaces leucine 512 with phenylalanine.
Molecular consequence: missense variant.
Genome position (GRCh38, 1-based): chr20:63,414,185, G>A on the plus strand (C>T on the coding strand, the complement: KCNQ2 is on the minus strand). VCF-style: chr20-63414185-G-A. GRCh37 (hg19) VCF-style: chr20-62045538-G-A.
Other names: c.1480C>T, p.Leu494Phe (NM_001382235.1, NM_172106.3); c.1450C>T, p.Leu484Phe (NM_004518.6); c.1441C>T, p.Leu481Phe (NM_172108.5); short protein forms L484F, L481F, L494F, L512F.
Identifiers: ClinVar variation 2728512 (VCV002728512.3), dbSNP rs1416705938, ClinGen allele CA409645777.

ClinVar aggregate classification (germline): Uncertain significance (1 of 4 stars; one submission).

Conditions:
Early-infantile DEE. Also called: Early infantile epileptic encephalopathy; Early infantile epileptic encephalopathy with suppression bursts; Ohtahara syndrome. Identifiers: Orphanet 1934, MedGen C0393706, MONDO:0800491.

Allele frequency attached by ClinVar (database versions not stated): TOPMed below 0.00001.

Submission:

Labcorp Genetics (formerly Invitae), Labcorp
Classification: Uncertain significance for Early-infantile DEE. Last evaluated: 2023-10-17. Review status: criteria provided, single submitter. Criteria: Invitae Variant Classification Sherloc (09022015). Collection method: clinical testing. Allele origin: germline.
Comment: This sequence change replaces leucine, which is neutral and non-polar, with phenylalanine, which is neutral and non-polar, at codon 512 of the KCNQ2 protein (p.Leu512Phe). This variant is not present in population databases (gnomAD no frequency). This variant has not been reported in the literature in individuals affected with KCNQ2-related conditions. An algorithm developed to predict the effect of missense changes on protein structure and function (PolyPhen-2) suggests that this variant is likely to be disruptive. In summary, the available evidence is currently insufficient to determine the role of this variant in disease. Therefore, it has been classified as a Variant of Uncertain Significance.